The following is an entry in ClinVar:

ClinVar aggregate classification (germline): Uncertain significance. Review status: criteria provided, multiple submitters, no conflicts (2 of 4 stars). 2 submissions from 2 submitters: Uncertain significance (2). Last evaluated 2024-07-21.

Conditions:
Cardiovascular phenotype. Identifiers: MedGen CN230736.

Allele frequency attached by ClinVar (database versions not stated): TOPMed below 0.00001; gnomAD 0.00001.
gnomAD v4.1: 4 of 1,569,018 alleles (0.00025%); highest among the groups gnomAD compares: Admixed American, 0.0076%; no homozygotes.

Submissions (2):

Labcorp Genetics (formerly Invitae), Labcorp
Classification: Uncertain significance. Last evaluated: 2024-07-21. Review status: criteria provided, single submitter. Criteria: Invitae Variant Classification Sherloc (09022015). Collection method: clinical testing. Allele origin: germline.
Comment: This sequence change replaces proline, which is neutral and non-polar, with alanine, which is neutral and non-polar, at codon 1302 of the ALPK3 protein (p.Pro1302Ala). This variant is not present in population databases (gnomAD no frequency). This variant has not been reported in the literature in individuals affected with ALPK3-related conditions. ClinVar contains an entry for this variant (Variation ID: 1464546). Advanced modeling of protein sequence and biophysical properties (such as structural, functional, and spatial information, amino acid conservation, physicochemical variation, residue mobility, and thermodynamic stability) performed at Invitae indicates that this missense variant is not expected to disrupt ALPK3 protein function with a negative predictive value of 80%. In summary, the available evidence is currently insufficient to determine the role of this variant in disease. Therefore, it has been classified as a Variant of Uncertain Significance.

Ambry Genetics
Classification: Uncertain significance for Cardiovascular phenotype. Last evaluated: 2023-10-15. Review status: criteria provided, single submitter. Criteria: Ambry Variant Classification Scheme 2023. Collection method: clinical testing. Allele origin: germline.
Comment: The p.P1302A variant (also known as c.3904C>G), located in coding exon 6 of the ALPK3 gene, results from a C to G substitution at nucleotide position 3904. The proline at codon 1302 is replaced by alanine, an amino acid with highly similar properties. This amino acid position is conserved. In addition, this alteration is predicted to be tolerated by in silico analysis. Since supporting evidence is limited at this time, the clinical significance of this alteration remains unclear.

NM_020778.5(ALPK3):c.3298C>G (p.Pro1100Ala)

Gene: ALPK3 (alpha kinase 3; plus strand). Cytogenetic location: 15q25.3.
Variant type: single nucleotide variant.
Coding change: c.3298C>G on transcript NM_020778.5 (MANE Select); coding-DNA position 3298, C replaced by G.
Protein change: p.Pro1100Ala; replaces proline 1100 with alanine.
Molecular consequence: missense variant.
Genome position (GRCh38, 1-based): chr15:84,858,036, C>G. VCF-style: chr15-84858036-C-G. GRCh37 (hg19) VCF-style: chr15-85401267-C-G.
Other names: c.3904C>G (NM_020778.4); short protein forms P1100A.
Identifiers: ClinVar variation 1464546 (VCV001464546.9), dbSNP rs1963888666, ClinGen allele CA393359990.